The following is an entry in ClinVar:

NM_000512.5(GALNS):c.817C>T (p.Gln273Ter)

Gene: GALNS (galactosamine (N-acetyl)-6-sulfatase; minus strand). Cytogenetic location: 16q24.3.
Variant type: single nucleotide variant.
Coding change: c.817C>T on transcript NM_000512.5 (MANE Select); coding-DNA position 817, C replaced by T.
Protein change: p.Gln273Ter; replaces glutamine 273 with a stop codon.
Molecular consequence: nonsense.
Genome position (GRCh38, 1-based): chr16:88,835,294, G>A on the plus strand (C>T on the coding strand, the complement: GALNS is on the minus strand). VCF-style: chr16-88835294-G-A. GRCh37 (hg19) VCF-style: chr16-88901702-G-A.
Other names: c.262C>T, p.Gln88Ter (NM_001323543.2); c.835C>T, p.Gln279Ter (NM_001323544.2); c.817C>T (NM_000512.4); short protein forms Q88*, Q279*, Q273*.
Identifiers: ClinVar variation 1358302 (VCV001358302.6), dbSNP rs2143001165, ClinGen allele CA397076381.

ClinVar aggregate classification (germline): Pathogenic/Likely pathogenic. Review status: criteria provided, multiple submitters, no conflicts (2 of 4 stars). 2 submissions from 2 submitters: Pathogenic (1); Likely pathogenic (1). Last evaluated 2023-11-17.

Conditions:
GALNS-related disorder. Also called: GALNS-related condition.
Mucopolysaccharidosis, MPS-IV-A (MPS4A). Also called: Morquio syndrome A, mild; MORQUIO SYNDROME A; GALACTOSAMINE-6-SULFATASE DEFICIENCY; GALNS DEFICIENCY; MORQUIO A DISEASE; MPS IVA. Identifiers: Orphanet 309297, Orphanet 582, MedGen C0086651, MONDO:0009659, OMIM 253000.

gnomAD v4.1: 1 of 1,613,436 alleles (0.000062%); highest among the groups gnomAD compares: Non-Finnish European, 0.000085%; no homozygotes.

Submissions (2):

Labcorp Genetics (formerly Invitae), Labcorp
Classification: Pathogenic for Mucopolysaccharidosis, MPS-IV-A. Last evaluated: 2023-11-17. Review status: criteria provided, single submitter. Criteria: Invitae Variant Classification Sherloc (09022015). Collection method: clinical testing. Allele origin: germline.
Comment: This sequence change creates a premature translational stop signal (p.Gln273*) in the GALNS gene. It is expected to result in an absent or disrupted protein product. Loss-of-function variants in GALNS are known to be pathogenic (PMID: 12442278). This variant is not present in population databases (gnomAD no frequency). This variant has not been reported in the literature in individuals affected with GALNS-related conditions. ClinVar contains an entry for this variant (Variation ID: 1358302). For these reasons, this variant has been classified as Pathogenic.

PreventionGenetics, part of Exact Sciences
Classification: Likely pathogenic for GALNS-related condition. Last evaluated: 2023-02-06. Review status: criteria provided, single submitter. Criteria: ACMG Guidelines, 2015. Collection method: clinical testing. Allele origin: germline.
Comment: The GALNS c.817C>T variant is predicted to result in premature protein termination (p.Gln273*). To our knowledge, this variant has not been reported in the literature or in a large population database, indicating this variant is rare. Nonsense variants in GALNS are expected to be pathogenic. This variant is interpreted as likely pathogenic.

Literature cited by the submitters: PubMed 12442278 (cited by Labcorp Genetics (formerly Invitae), Labcorp).